The following is an entry in ClinVar:

ClinVar aggregate classification (germline): Likely pathogenic (3 of 4 stars; one submission).

Conditions:
Monogenic diabetes. Identifiers: Orphanet 183625, MedGen C3888631, MONDO:0015967.

Submission:

ClinGen Monogenic Diabetes Variant Curation Expert Panel
Classification: Likely pathogenic for Monogenic diabetes. Last evaluated: 2024-12-09. Review status: reviewed by expert panel. Criteria: ClinGen Diabetes ACMG Specifications HNF1A V2.1.0. Collection method: curation. Allele origin: germline. Inheritance: Autosomal dominant inheritance.
Comment: The c.363del variant in the HNF1 homeobox A gene, HNF1A, causes a frameshift in the protein at codon 122 in NM_000545.8, adding an uncertain number of novel amino acids before encountering a stop codon (p.(Tyr122ThrfsTer?)). This variant, located in biologically-relevant exon 2 of 10, is predicted to lead to nonsense mediated decay in a gene in which loss-of-function is an established disease mechanism (PVS1; PMID: 23348805). This variant is absent from gnomAD v2.1.1 (PM2_Supporting). This variant was identified in two unrelated individuals with non-autoimmune and non-absolute/near-absolute insulin-deficient diabetes; however, PS4_Moderate cannot be applied because this number is below the ClinGen MDEP threshold (PMIDs: 9392505, 16759564, 35673428). In summary, c.363del meets the criteria to be classified as likely pathogenic for monogenic diabetes. ACMG/AMP criteria applied, as specified by the ClinGen MDEP (specification version 2.1.0, approved 8/11/2023): PVS1, PM2_Supporting.

NM_000545.8(HNF1A):c.363del (p.Tyr122fs)

Gene: HNF1A (HNF1 homeobox A; plus strand). Cytogenetic location: 12q24.31.
Variant type: Deletion.
Coding change: c.363del on transcript NM_000545.8 (MANE Select); coding-DNA position 363, one base deleted (C; older notation c.363delC).
Protein change: p.Tyr122fs; shifts the reading frame from tyrosine 122.
Molecular consequence: frameshift variant.
Genome position (GRCh38, 1-based): chr12:120,988,869, C deleted; the last of 2 consecutive C bases (chr12:120,988,868-120,988,869); deleting either gives the same sequence. VCF-style (leftmost placement, unchanged base first): chr12-120988867-TC-T. GRCh37 (hg19) VCF-style: chr12-121426670-TC-T.
Other names: NM_001306179.2:c.363del; c.363del, p.Tyr122fs (NM_001306179.2, NM_001406915.1); short protein forms Y122fs.
Identifiers: ClinVar variation 3602124 (VCV003602124.1).